The following is an entry in ClinVar:

NM_021008.4(DEAF1):c.671G>C (p.Arg224Pro)

Gene: DEAF1 (DEAF1 transcription factor; minus strand). Cytogenetic location: 11p15.5.
Variant type: single nucleotide variant.
Coding change: c.671G>C on transcript NM_021008.4 (MANE Select); coding-DNA position 671, G replaced by C.
Protein change: p.Arg224Pro; replaces arginine 224 with proline.
Molecular consequence: missense variant. On other transcripts: 5 prime UTR variant (4), intron variant (1).
Genome position (GRCh38, 1-based): chr11:686,991, C>G on the plus strand (G>C on the coding strand, the complement: DEAF1 is on the minus strand). VCF-style: chr11-686991-C-G. GRCh37 (hg19) VCF-style: chr11-686991-C-G.
Other names: c.-56G>C (NM_001367390.1, NM_001440885.1, NM_001440886.1 and 1 more transcripts); c.671G>C, p.Arg224Pro (NM_001440883.1, NM_001440884.1); c.664+920G>C (NM_001293634.2); short protein forms R224P.
Identifiers: ClinVar variation 2034753 (VCV002034753.5), dbSNP rs1415420832, ClinGen allele CA378932940.

ClinVar aggregate classification (germline): Pathogenic/Likely pathogenic. Review status: criteria provided, multiple submitters, no conflicts (2 of 4 stars). 2 submissions from 2 submitters: Pathogenic (1); Likely pathogenic (1). Last evaluated 2024-04-11.

Conditions:
Intellectual disability, autosomal dominant 24 (VSVS). Also called: VULTO-VAN SILFHOUT-DE VRIES SYNDROME. Identifiers: MedGen C4014414, MONDO:0014357, OMIM 615828.

Submissions (2):

3billion
Classification: Likely pathogenic for Intellectual disability, autosomal dominant 24. Last evaluated: 2024-04-11. Review status: criteria provided, single submitter. Criteria: ACMG Guidelines, 2015. Collection method: clinical testing. Allele origin: germline. Affected: yes.
Comment: The variant is not observed in the gnomAD v4.0.0 dataset. Predicted Consequence/Location: Missense variant In silico tool predictions suggest damaging effect of the variant on gene or gene product [REVEL: 0.59 (>=0.6, sensitivity 0.68 and specificity 0.92); 3Cnet: 0.98 (>=0.6, sensitivity 0.72 and precision 0.9)]. Same nucleotide change resulting in same amino acid change has been previously reported to be associated with DEAF1 related disorder (ClinVar ID: VCV002034753).Different missense changes at the same codon (p.Arg224Gln, p.Arg224Gly, p.Arg224Trp) have been reported as pathogenic/likely pathogenic with strong evidence (ClinVar ID: VCV000133293, VCV000915957 /PMID: 24726472, 30923367, 32959227). Therefore, this variant is classified as Likely pathogenic according to the recommendation of ACMG/AMP guideline.

Labcorp Genetics (formerly Invitae), Labcorp
Classification: Pathogenic. Last evaluated: 2022-12-15. Review status: criteria provided, single submitter. Criteria: Invitae Variant Classification Sherloc (09022015). Collection method: clinical testing. Allele origin: germline.
Comment: This variant disrupts the p.Arg224 amino acid residue in DEAF1. Other variant(s) that disrupt this residue have been determined to be pathogenic (PMID: 24726472, 32959227, 33705764). This suggests that this residue is clinically significant, and that variants that disrupt this residue are likely to be disease-causing. Advanced modeling of protein sequence and biophysical properties (such as structural, functional, and spatial information, amino acid conservation, physicochemical variation, residue mobility, and thermodynamic stability) has been performed at Invitae for this missense variant, however the output from this modeling did not meet the statistical confidence thresholds required to predict the impact of this variant on DEAF1 protein function. This missense change has been observed in individual(s) with clinical features of autosomal dominant DEAF1-related conditions (Invitae). In at least one individual the variant was observed to be de novo. This variant is not present in population databases (gnomAD no frequency). This sequence change replaces arginine, which is basic and polar, with proline, which is neutral and non-polar, at codon 224 of the DEAF1 protein (p.Arg224Pro). For these reasons, this variant has been classified as Pathogenic.

Literature cited by the submitters: PubMed 24726472 (cited by 3billion and Labcorp Genetics (formerly Invitae), Labcorp); PubMed 32959227 (cited by Labcorp Genetics (formerly Invitae), Labcorp); PubMed 33705764 (cited by Labcorp Genetics (formerly Invitae), Labcorp).